The following is an entry in ClinVar:

NM_001193315.2(VIPAS39):c.842C>G (p.Pro281Arg)

Gene: VIPAS39 (VPS33B interacting protein, apical-basolateral polarity regulator, spe-39 homolog; minus strand). Cytogenetic location: 14q24.3.
Variant type: single nucleotide variant.
Coding change: c.842C>G on transcript NM_001193315.2 (MANE Select); coding-DNA position 842, C replaced by G.
Protein change: p.Pro281Arg; replaces proline 281 with arginine.
Molecular consequence: missense variant. On other transcripts: non-coding transcript variant (1), intron variant (1).
Genome position (GRCh38, 1-based): chr14:77,435,914, G>C on the plus strand (C>G on the coding strand, the complement: VIPAS39 is on the minus strand). VCF-style: chr14-77435914-G-C. GRCh37 (hg19) VCF-style: chr14-77902257-G-C.
Other names: p.Pro281Arg; c.842C>G, p.Pro281Arg (NM_001193314.2, NM_001193317.2, NM_001400326.1 and 6 more transcripts); c.695C>G, p.Pro232Arg (NM_001193316.2, NM_001400324.1, NM_001400325.1); c.809C>G, p.Pro270Arg (NM_001400327.1); c.749C>G, p.Pro250Arg (NM_001400333.1, NM_001400334.1); c.602C>G, p.Pro201Arg (NM_001400337.1); c.740C>G, p.Pro247Arg (NM_001400338.1); c.763-1611C>G (NM_001400339.1); short protein forms P232R, P247R, P201R, P250R, P270R, P281R.
Identifiers: ClinVar variation 2044892 (VCV002044892.7), dbSNP rs151206967, ClinGen allele CA7287925.
Genomic context (GRCh38, chr14:77,435,914, plus strand): 5'-ATCTGACGTTCCAGGAGCGTGTAATGGTCCTGTATGTGTGCGGAATCTTCTGCTGAAAAT[G>C]GCAAACTGGTAGAGTGCCAGAAGGTTAGTACCTTTCTCTATTCAAACAAGGAAACAAACC-3'
Protein context (NP_001180244.1, residues 271-291): KEFLKTCVGL[Pro281Arg]FSAEDSAHIQ

ClinVar aggregate classification (germline): Conflicting classifications of pathogenicity. Review status: criteria provided, conflicting classifications (1 of 4 stars). 5 submissions from 5 submitters: Uncertain significance (3); Likely benign (2). Last evaluated 2025-07-10.

Conditions:
Arthrogryposis, renal dysfunction, and cholestasis 2 (ARCS2). Identifiers: Orphanet 2697, MedGen C3150672, MONDO:0013255, OMIM 613404.
Inborn genetic diseases. Identifiers: MedGen C0950123, MeSH D030342.

Allele frequency attached by ClinVar (database versions not stated): 1000 Genomes Project 30x 0.00016; 1000 Genomes Project 0.00020; ExAC 0.00026; ESP Exome Variant Server 0.00031; TOPMed 0.00032; gnomAD 0.00039.
gnomAD v4.1: 914 of 1,614,102 alleles (0.057%); highest among the groups gnomAD compares: Non-Finnish European, 0.074%; 1 homozygote.

Submissions (5):

Mayo Clinic Laboratories, Mayo Clinic
Classification: Likely benign. Last evaluated: 2025-07-10. Review status: criteria provided, single submitter. Criteria: ACMG Guidelines, 2015. Collection method: clinical testing. Allele origin: germline. Observed: 2 variant alleles.
Comment: BS1_supporting, BS2, BP4

Women's Health and Genetics/Laboratory Corporation of America, LabCorp
Classification: Uncertain significance. Last evaluated: 2025-06-30. Review status: criteria provided, single submitter. Criteria: LabCorp Variant Classification Summary - May 2015. Collection method: clinical testing. Allele origin: germline.
Comment: Variant summary: VIPAS39 c.842C>G (p.Pro281Arg) results in a non-conservative amino acid change in the encoded protein sequence. Algorithms developed to predict the effect of missense changes on protein structure and function are either unavailable or do not agree on the potential impact of this missense change. The variant allele was found at a frequency of 0.00057 in 1614102 control chromosomes in the gnomAD database, including 1 homozygote. This frequency does not allow for any conclusion about variant significance. However, Arthrogryposis, Renal Dysfunction, And Cholestasis 2 is generally expected to result in death in infancy, so the presence of 1 homozygous adult in gnomAD lends some support to this variant having a benign effect for this condition, although hypomorphic effects or sequencing errors cannot be ruled out. To our knowledge, no occurrence of c.842C>G in individuals affected with Arthrogryposis, Renal Dysfunction, And Cholestasis 2 and no experimental evidence demonstrating its impact on protein function have been reported. ClinVar contains an entry for this variant (Variation ID: 2044892). Based on the evidence outlined above, the variant was classified as VUS-possibly benign.

Ambry Genetics
Classification: Uncertain significance for Inborn genetic diseases. Last evaluated: 2024-05-29. Review status: criteria provided, single submitter. Criteria: Ambry Variant Classification Scheme 2023. Collection method: clinical testing. Allele origin: germline.

Fulgent Genetics
Classification: Likely benign for Arthrogryposis, renal dysfunction, and cholestasis 2. Last evaluated: 2024-03-20. Review status: criteria provided, single submitter. Criteria: ACMG Guidelines, 2015. Collection method: clinical testing. Allele origin: germline.

Labcorp Genetics (formerly Invitae), Labcorp
Classification: Uncertain significance. Last evaluated: 2022-08-19. Review status: criteria provided, single submitter. Criteria: Invitae Variant Classification Sherloc (09022015). Collection method: clinical testing. Allele origin: germline.
Comment: This sequence change replaces proline, which is neutral and non-polar, with arginine, which is basic and polar, at codon 281 of the VIPAS39 protein (p.Pro281Arg). This variant is present in population databases (rs151206967, gnomAD 0.05%). This variant has not been reported in the literature in individuals affected with VIPAS39-related conditions. Algorithms developed to predict the effect of missense changes on protein structure and function are either unavailable or do not agree on the potential impact of this missense change (SIFT: "Deleterious"; PolyPhen-2: "Possibly Damaging"; Align-GVGD: "Class C15"). In summary, the available evidence is currently insufficient to determine the role of this variant in disease. Therefore, it has been classified as a Variant of Uncertain Significance.